The following is an entry in ClinVar:

NM_004336.5(BUB1):c.1711C>T (p.His571Tyr)

Gene: BUB1 (BUB1 mitotic checkpoint serine/threonine kinase; minus strand). Cytogenetic location: 2q13.
Variant type: single nucleotide variant.
Coding change: c.1711C>T on transcript NM_004336.5 (MANE Select); coding-DNA position 1711, C replaced by T.
Protein change: p.His571Tyr; replaces histidine 571 with tyrosine.
Molecular consequence: missense variant.
Genome position (GRCh38, 1-based): chr2:110,655,904, G>A on the plus strand (C>T on the coding strand, the complement: BUB1 is on the minus strand). VCF-style: chr2-110655904-G-A. GRCh37 (hg19) VCF-style: chr2-111413481-G-A.
Other names: c.1651C>T, p.His551Tyr (NM_001278616.2); c.1711C>T, p.His571Tyr (NM_001278617.2); short protein forms H571Y, H551Y.
Identifiers: ClinVar variation 1778570 (VCV001778570.4), dbSNP rs200745567, ClinGen allele CA53532506.

ClinVar aggregate classification (germline): Uncertain significance (1 of 4 stars; one submission).

Allele frequency attached by ClinVar (database versions not stated): gnomAD exomes below 0.00001; gnomAD 0.00001; 1000 Genomes Project 30x 0.00031; 1000 Genomes Project 0.00040.
gnomAD v4.1: 3 of 1,613,236 alleles (0.00019%); highest among the groups gnomAD compares: East Asian, 0.0067%; no homozygotes.

Submission:

Ambry Genetics
Classification: Uncertain significance. Last evaluated: 2024-05-15. Review status: criteria provided, single submitter. Criteria: Ambry Variant Classification Scheme 2023. Collection method: clinical testing. Allele origin: germline.
Comment: The p.H571Y variant (also known as c.1711C>T), located in coding exon 16 of the BUB1 gene, results from a C to T substitution at nucleotide position 1711. The histidine at codon 571 is replaced by tyrosine, an amino acid with similar properties. This amino acid position is conserved. In addition, this alteration is predicted to be tolerated by in silico analysis. Since supporting evidence is limited at this time, the clinical significance of this alteration remains unclear.